The following is an entry in ClinVar:

ClinVar aggregate classification (germline): Uncertain significance (1 of 4 stars; one submission).

Conditions:
Galactosylceramide beta-galactosidase deficiency. Also called: Leukodystrophy, Globoid Cell; GALACTOCEREBROSIDASE DEFICIENCY; GALC DEFICIENCY; GLOBOID CELL LEUKOENCEPHALOPATHY; Krabbe Disease. Identifiers: Orphanet 487, MedGen C0023521, MONDO:0009499, OMIM 245200.

Submission:

Labcorp Genetics (formerly Invitae), Labcorp
Classification: Uncertain significance for Galactosylceramide beta-galactosidase deficiency. Last evaluated: 2026-01-07. Review status: criteria provided, single submitter. Criteria: Invitae Variant Classification Sherloc (09022015). Collection method: clinical testing. Allele origin: germline.
Comment: This sequence change replaces serine, which is neutral and polar, with phenylalanine, which is neutral and non-polar, at codon 416 of the GALC protein (p.Ser416Phe). This variant is present in population databases (rs754947654, gnomAD 0.007%). This variant has not been reported in the literature in individuals affected with GALC-related conditions. Invitae Evidence Modeling of protein sequence and biophysical properties (such as structural, functional, and spatial information, amino acid conservation, physicochemical variation, residue mobility, and thermodynamic stability) indicates that this missense variant is expected to disrupt GALC protein function with a positive predictive value of 95%. In summary, the available evidence is currently insufficient to determine the role of this variant in disease. Therefore, it has been classified as a Variant of Uncertain Significance.

NM_000153.4(GALC):c.1247C>T (p.Ser416Phe)

Gene: GALC (galactosylceramidase; minus strand). Cytogenetic location: 14q31.3.
Variant type: single nucleotide variant.
Coding change: c.1247C>T on transcript NM_000153.4 (MANE Select); coding-DNA position 1247, C replaced by T.
Protein change: p.Ser416Phe; replaces serine 416 with phenylalanine.
Molecular consequence: missense variant. On other transcripts: non-coding transcript variant (1).
Genome position (GRCh38, 1-based): chr14:87,950,663, G>A on the plus strand (C>T on the coding strand, the complement: GALC is on the minus strand). VCF-style: chr14-87950663-G-A. GRCh37 (hg19) VCF-style: chr14-88417007-G-A.
Other names: c.899C>T, p.Ser300Phe (NM_001424075.1, NM_001424074.1); c.614C>T, p.Ser205Phe (NM_001424076.1, NM_001424077.1); c.1178C>T, p.Ser393Phe (NM_001201401.2); c.1169C>T, p.Ser390Phe (NM_001201402.2); c.1079C>T, p.Ser360Phe (NM_001424071.1, NM_001424072.1, NM_001424073.1); short protein forms S205F, S360F, S390F, S416F, S300F, S393F.
Identifiers: ClinVar variation 4739694 (VCV004739694.1).